The following is an entry in ClinVar:

NM_000361.3(THBD):c.1410G>T (p.Ser470=)

Gene: THBD (thrombomodulin; minus strand). Cytogenetic location: 20p11.21.
Variant type: single nucleotide variant.
Coding change: c.1410G>T on transcript NM_000361.3 (MANE Select); coding-DNA position 1410, G replaced by T.
Protein change: p.Ser470=; no amino-acid change (serine 470 retained).
Molecular consequence: synonymous variant.
Genome position (GRCh38, 1-based): chr20:23,048,095, C>A on the plus strand (G>T on the coding strand, the complement: THBD is on the minus strand). VCF-style: chr20-23048095-C-A. GRCh37 (hg19) VCF-style: chr20-23028732-C-A.
Identifiers: ClinVar variation 3604452 (VCV003604452.2).

ClinVar aggregate classification (germline): Uncertain significance (1 of 4 stars; one submission).

gnomAD v4.1: 2 of 1,612,760 alleles (0.00012%); highest among the groups gnomAD compares: Admixed American, 0.0033%; no homozygotes.

Submission:

Labcorp Genetics (formerly Invitae), Labcorp
Classification: Uncertain significance. Last evaluated: 2024-05-18. Review status: criteria provided, single submitter. Criteria: Invitae Variant Classification Sherloc (09022015). Collection method: clinical testing. Allele origin: germline.
Comment: This sequence change affects codon 470 of the THBD mRNA. It is a 'silent' change, meaning that it does not change the encoded amino acid sequence of the THBD protein. This variant is not present in population databases (gnomAD no frequency). This variant has not been reported in the literature in individuals affected with THBD-related conditions. In summary, the available evidence is currently insufficient to determine the role of this variant in disease. Therefore, it has been classified as a Variant of Uncertain Significance.